The following is an entry in ClinVar:

ClinVar aggregate classification (germline): Benign. Review status: criteria provided, multiple submitters, no conflicts (2 of 4 stars). 5 submissions from 5 submitters: Benign (5). Last evaluated 2023-11-29.

Conditions:
Combined oxidative phosphorylation deficiency 44. Also called: FASTKD2-Related Combined Oxidative Phosphorylation Deficiency. Identifiers: MedGen C5394293, MONDO:0030020, OMIM 618855.
Mitochondrial complex IV deficiency, nuclear type 1 (MC4DN1). Also called: Mitochondrial complex IV deficiency; Complex 4 mitochondrial respiratory chain deficiency; Deficiency of mitochondrial respiratory chain complex4; Complex IV deficiency; COX DEFICIENCY. Identifiers: MedGen C5435656, MONDO:0700250, OMIM 220110. Disease mechanism: loss of function.

Allele frequency attached by ClinVar (database versions not stated): gnomAD exomes 0.00149 and 0.00372; gnomAD 0.01553 and 0.01446; TOPMed 0.01641; ESP Exome Variant Server 0.01645; ExAC 0.00480; 1000 Genomes Project 0.01597; 1000 Genomes Project 30x 0.01671.
gnomAD v4.1: 4,510 of 1,610,776 alleles (0.28%); highest among the groups gnomAD compares: African/African-American, 5.1%; 108 homozygotes.

Submissions (5):

ARUP Laboratories, Molecular Genetics and Genomics, ARUP Laboratories
Classification: Benign for Combined oxidative phosphorylation deficiency 44. Last evaluated: 2023-11-29. Review status: criteria provided, single submitter. Criteria: ARUP Molecular Germline Variant Investigation Process 2024. Collection method: clinical testing. Allele origin: germline.

Mayo Clinic Laboratories, Mayo Clinic
Classification: Benign. Last evaluated: 2018-12-10. Review status: criteria provided, single submitter. Criteria: ACMG Guidelines, 2015. Collection method: clinical testing. Allele origin: germline. Observed: 17 variant alleles.

Illumina Laboratory Services, Illumina
Classification: Benign for Mitochondrial complex IV deficiency, nuclear type 1. Last evaluated: 2017-10-19. Review status: criteria provided, single submitter. Criteria: ICSL Variant Classification Criteria 13 December 2019. Collection method: clinical testing. Allele origin: germline.
Comment: This variant was observed as part of a predisposition screen in an ostensibly healthy population. A literature search was performed for the gene, cDNA change, and amino acid change (where applicable). No publications were found based on this search. Allele frequency data from public databases was too high to be consistent with this variant causing disease. Therefore, this variant is classified as benign.

GeneDx
Classification: Benign. Last evaluated: 2012-10-22. Review status: criteria provided, single submitter. Criteria: GeneDx Variant Classification (06012015). Collection method: clinical testing. Allele origin: germline. Affected: yes.
Comment: This variant is considered likely benign or benign based on one or more of the following criteria: it is a conservative change, it occurs at a poorly conserved position in the protein, it is predicted to be benign by multiple in silico algorithms, and/or has population frequency not consistent with disease.

Breakthrough Genomics
Classification: Benign. Review status: criteria provided, single submitter. Criteria: ACMG Guidelines, 2015. Collection method: not provided. Allele origin: germline. Inheritance: Autosomal recessive inheritance. Affected: yes.

NM_001136193.2(FASTKD2):c.*9T>C

Gene: FASTKD2 (FAST kinase domains 2; plus strand). Cytogenetic location: 2q33.3.
Variant type: single nucleotide variant.
Coding change: c.*9T>C on transcript NM_001136193.2 (MANE Select); 9 bases downstream of the stop codon, T replaced by C.
Molecular consequence: 3 prime UTR variant.
Genome position (GRCh38, 1-based): chr2:206,791,811, T>C. VCF-style: chr2-206791811-T-C. GRCh37 (hg19) VCF-style: chr2-207656535-T-C.
Other names: c.*9T>C (NM_001136194.2, NM_014929.4).
Identifiers: ClinVar variation 137294 (VCV000137294.9), dbSNP rs10194665, ClinGen allele CA290850.
Genomic context (GRCh38, chr2:206,791,811, plus strand): 5'-TTCAGTAGAAGCTCTTCCTGTTGCTGCTGTAAATGTGCAAAGCACACAATAAAGTGAAAA[T>C]CAACCTTTTCATATTAGGAGACATGCATTTGTAAAAATTAATAAAGATGACAAGTCAGTT-3'